The following is an entry in ClinVar:

NM_000232.5(SGCB):c.768C>G (p.Ile256Met)

Gene: SGCB (sarcoglycan beta; minus strand). Cytogenetic location: 4q12.
Variant type: single nucleotide variant.
Coding change: c.768C>G on transcript NM_000232.5 (MANE Select); coding-DNA position 768, C replaced by G.
Protein change: p.Ile256Met; replaces isoleucine 256 with methionine.
Molecular consequence: missense variant.
Genome position (GRCh38, 1-based): chr4:52,024,146, G>C on the plus strand (C>G on the coding strand, the complement: SGCB is on the minus strand). VCF-style: chr4-52024146-G-C. GRCh37 (hg19) VCF-style: chr4-52890312-G-C.
Other names: short protein forms I256M.
Identifiers: ClinVar variation 2416516 (VCV002416516.1), dbSNP rs149121189, ClinGen allele CA2918282.
Genomic context (GRCh38, chr4:52,024,146, plus strand): 5'-CTGGTCTCCACTGGAGGAACTGGGTAGGCGGGTGGTGCTGACCATCACAGATCCATTTAG[G>C]ATGATACTGTTTTCCTATTAGGAGAATAGTAATATGATTTATTTACCTCCATGAGGGGGT-3'
Protein context (NP_000223.1, residues 246-266): NMELKAENSI[Ile256Met]LNGSVMVSTT

ClinVar aggregate classification (germline): Uncertain significance (1 of 4 stars; one submission).

Conditions:
Autosomal recessive limb-girdle muscular dystrophy type 2E (LGMDR4). Also called: MUSCULAR DYSTROPHY, LIMB-GIRDLE, AUTOSOMAL RECESSIVE 4. Identifiers: Orphanet 119, MedGen C1858593, MONDO:0011423, OMIM 604286. Disease mechanism: Affects gamma-sarcoglycan and also disrupts the integrity of the entire sarcoglycan complex..

gnomAD v4.1: 30 of 1,613,496 alleles (0.0019%); highest among the groups gnomAD compares: South Asian, 0.032%; no homozygotes.

Submission:

Labcorp Genetics (formerly Invitae), Labcorp
Classification: Uncertain significance for Autosomal recessive limb-girdle muscular dystrophy type 2E. Last evaluated: 2022-02-03. Review status: criteria provided, single submitter. Criteria: Invitae Variant Classification Sherloc (09022015). Collection method: clinical testing. Allele origin: germline.
Comment: This sequence change replaces isoleucine, which is neutral and non-polar, with methionine, which is neutral and non-polar, at codon 256 of the SGCB protein (p.Ile256Met). This variant is present in population databases (rs149121189, gnomAD 0.04%). This variant has not been reported in the literature in individuals affected with SGCB-related conditions. Algorithms developed to predict the effect of missense changes on protein structure and function are either unavailable or do not agree on the potential impact of this missense change (SIFT: "Deleterious"; PolyPhen-2: "Possibly Damaging"; Align-GVGD: "Class C0"). In summary, the available evidence is currently insufficient to determine the role of this variant in disease. Therefore, it has been classified as a Variant of Uncertain Significance.